The following is an entry in ClinVar:

ClinVar aggregate classification (germline): Uncertain significance (1 of 4 stars; one submission).

Conditions:
Norman-Roberts syndrome (LIS2). Also called: Lissencephaly 2 (Norman-Roberts type). Identifiers: Orphanet 89844, MedGen C0796089, MONDO:0009760, OMIM 257320.
Familial temporal lobe epilepsy 7. Identifiers: Orphanet 101046, MedGen C4225327, MONDO:0014639, OMIM 616436.

Submission:

Labcorp Genetics (formerly Invitae), Labcorp
Classification: Uncertain significance for Familial temporal lobe epilepsy 7; Norman-Roberts syndrome. Last evaluated: 2025-04-11. Review status: criteria provided, single submitter. Criteria: Invitae Variant Classification Sherloc (09022015). Collection method: clinical testing. Allele origin: germline.
Comment: This sequence change replaces lysine, which is basic and polar, with threonine, which is neutral and polar, at codon 2814 of the RELN protein (p.Lys2814Thr). This variant is not present in population databases (gnomAD no frequency). This variant has not been reported in the literature in individuals affected with RELN-related conditions. Invitae Evidence Modeling of protein sequence and biophysical properties (such as structural, functional, and spatial information, amino acid conservation, physicochemical variation, residue mobility, and thermodynamic stability) indicates that this missense variant is not expected to disrupt RELN protein function with a negative predictive value of 80%. Algorithms developed to predict the effect of sequence changes on RNA splicing suggest that this variant may disrupt the consensus splice site. In summary, the available evidence is currently insufficient to determine the role of this variant in disease. Therefore, it has been classified as a Variant of Uncertain Significance.

NM_005045.4(RELN):c.8441A>C (p.Lys2814Thr)

Genes: SLC26A5-AS1 (SLC26A5 antisense RNA 1; plus strand), RELN (reelin; minus strand). Cytogenetic location: 7q22.1.
Variant type: single nucleotide variant.
Coding change: c.8441A>C on transcript NM_005045.4 (MANE Select); coding-DNA position 8441, A replaced by C.
Protein change: p.Lys2814Thr; replaces lysine 2814 with threonine.
Molecular consequence: missense variant.
Genome position (GRCh38, 1-based): chr7:103,503,064, T>G on the plus strand (A>C on the coding strand, the complement: RELN is on the minus strand). VCF-style: chr7-103503064-T-G. GRCh37 (hg19) VCF-style: chr7-103143511-T-G.
Other names: c.8441A>C, p.Lys2814Thr (NM_173054.3); short protein forms K2814T.
Identifiers: ClinVar variation 4783217 (VCV004783217.1).
Genomic context (GRCh38, chr7:103,503,064, plus strand): 5'-TTTTCTACTTACTTTCCCACTAAGCTTTCAGGAAGTGGGTAGGTGATCCTTTTCCACCCT[T>G]TAGTTGGAAAGAATACAGATGGCTGAGAAACACTTCCAGAGCATTTTGGGTCAGCAGGCA-3'
Protein context (NP_005036.2, residues 2804-2824): VSQPSVFFPT[Lys2814Thr]GWKRITYPLP